The following is an entry in ClinVar:

ClinVar aggregate classification (germline): Likely benign. Review status: criteria provided, multiple submitters, no conflicts (2 of 4 stars). 3 submissions from 3 submitters: Likely benign (3). Last evaluated 2025-11-20.

Conditions:
ZNF142-related disorder. Also called: ZNF142-related condition.

Allele frequency attached by ClinVar (database versions not stated): gnomAD 0.00019; TOPMed 0.00019; gnomAD exomes 0.00022; 1000 Genomes Project 30x 0.00031; ExAC 0.00038; 1000 Genomes Project 0.00040.
gnomAD v4.1: 360 of 1,614,126 alleles (0.022%); highest among the groups gnomAD compares: East Asian, 0.52%; 2 homozygotes.

Submissions (5):

PreventionGenetics, part of Exact Sciences
Classification: Likely benign for ZNF142-related condition. Last evaluated: 2025-11-20. Review status: criteria provided, single submitter. Criteria: ACMG Guidelines, 2015. Collection method: clinical testing. Allele origin: germline.
Comment: This variant is classified as likely benign based on ACMG/AMP sequence variant interpretation guidelines (Richards et al. 2015 PMID: 25741868, with internal and published modifications).

Blueprint Genetics
Classification: Likely benign. Last evaluated: 2024-11-04. Review status: criteria provided, single submitter. Criteria: ACMG Guidelines, 2015. Collection method: clinical testing. Allele origin: germline.

CeGaT Center for Human Genetics Tuebingen
Classification: Likely benign. Last evaluated: 2022-12-01. Review status: criteria provided, single submitter. Criteria: CeGaT Center For Human Genetics Tuebingen Variant Classification Criteria Version 2. Collection method: clinical testing. Allele origin: germline. Affected: yes. Observed: 1 variant allele.
Comment: ZNF142: BP4, BP7

Dr. Peter K. Rogan Lab, Western University
No classification provided (evidence only). Condition: Familial cancer of breast. Review status: no classification provided. Collection method: in vitro. Allele origin: not applicable. Functional consequence: retained intron. Not counted in ClinVar's aggregate classification.

Dr. Peter K. Rogan Lab, Western University
No classification provided (evidence only). Condition: Gastric cancer. Review status: no classification provided. Collection method: in vitro. Allele origin: not applicable. Functional consequence: retained intron. Not counted in ClinVar's aggregate classification.

NM_001379659.1(ZNF142):c.3762C>T (p.Gly1254=)

Gene: ZNF142 (zinc finger protein 142; minus strand). Cytogenetic location: 2q35.
Variant type: single nucleotide variant.
Coding change: c.3762C>T on transcript NM_001379659.1 (MANE Select); coding-DNA position 3762, C replaced by T.
Protein change: p.Gly1254=; no amino-acid change (glycine 1254 retained).
Molecular consequence: synonymous variant.
Genome position (GRCh38, 1-based): chr2:218,643,354, G>A on the plus strand (C>T on the coding strand, the complement: ZNF142 is on the minus strand). VCF-style: chr2-218643354-G-A. GRCh37 (hg19) VCF-style: chr2-219508077-G-A.
Other names: NC_000002.11:g.219508077G>A; c.3762C>T (NM_001366290.1); c.3762C>T, p.Gly1254= (NM_001379660.1, NM_001379661.1, NM_001366290.3); c.3162C>T, p.Gly1054= (NM_001379662.1, NM_001105537.5, NM_001366291.3); c.2673C>T, p.Gly891= (NM_001366287.3, NM_001366288.3, NM_001366289.3).
Identifiers: ClinVar variation 2651888 (VCV002651888.27), dbSNP rs188997501, ClinGen allele CA2108923.